The following is an entry in ClinVar:

ClinVar aggregate classification (germline): Uncertain significance. Review status: criteria provided, multiple submitters, no conflicts (2 of 4 stars). 2 submissions from 2 submitters: Uncertain significance (2). Last evaluated 2025-08-03.

Conditions:
Congenital myasthenic syndrome 8. Also called: Myasthenic syndrome, congenital, 8, with pre- and postsynaptic defects; MYASTHENIC SYNDROME, CONGENITAL, DUE TO AGRIN DEFICIENCY. Identifiers: Orphanet 590, MedGen C3808739, MONDO:0014052, OMIM 615120.
Inborn genetic diseases. Identifiers: MedGen C0950123, MeSH D030342.

Allele frequency attached by ClinVar (database versions not stated): gnomAD exomes 0.00009 and 0.00003; gnomAD 0.00001 and 0.00003; TOPMed 0.00003; ExAC 0.00004.
gnomAD v4.1: 137 of 1,605,674 alleles (0.0085%); highest among the groups gnomAD compares: Non-Finnish European, 0.011%; no homozygotes.

Submissions (2):

Ambry Genetics
Classification: Uncertain significance for Inborn genetic diseases. Last evaluated: 2025-08-03. Review status: criteria provided, single submitter. Criteria: Ambry Variant Classification Scheme 2023. Collection method: clinical testing. Allele origin: germline.

Labcorp Genetics (formerly Invitae), Labcorp
Classification: Uncertain significance for Congenital myasthenic syndrome 8. Last evaluated: 2024-04-26. Review status: criteria provided, single submitter. Criteria: Invitae Variant Classification Sherloc (09022015). Collection method: clinical testing. Allele origin: germline.
Comment: This sequence change replaces arginine, which is basic and polar, with glutamine, which is neutral and polar, at codon 646 of the AGRN protein (p.Arg646Gln). This variant is present in population databases (rs755605232, gnomAD 0.005%). This variant has not been reported in the literature in individuals affected with AGRN-related conditions. ClinVar contains an entry for this variant (Variation ID: 569049). An algorithm developed to predict the effect of missense changes on protein structure and function (PolyPhen-2) suggests that this variant is likely to be disruptive. In summary, the available evidence is currently insufficient to determine the role of this variant in disease. Therefore, it has been classified as a Variant of Uncertain Significance.

NM_198576.4(AGRN):c.1937G>A (p.Arg646Gln)

Gene: AGRN (agrin; plus strand). Cytogenetic location: 1p36.33.
Variant type: single nucleotide variant.
Coding change: c.1937G>A on transcript NM_198576.4 (MANE Select); coding-DNA position 1937, G replaced by A.
Protein change: p.Arg646Gln; replaces arginine 646 with glutamine.
Molecular consequence: missense variant.
Genome position (GRCh38, 1-based): chr1:1,043,961, G>A. VCF-style: chr1-1043961-G-A. GRCh37 (hg19) VCF-style: chr1-979341-G-A.
Other names: c.1937G>A, p.Arg646Gln (NM_001305275.2); c.1622G>A, p.Arg541Gln (NM_001364727.2); short protein forms R646Q, R541Q.
Identifiers: ClinVar variation 569049 (VCV000569049.10), dbSNP rs755605232, ClinGen allele CA508385.